The following is an entry in ClinVar:

ClinVar aggregate classification (germline): Benign/Likely benign. Review status: criteria provided, multiple submitters, no conflicts (2 of 4 stars). 3 submissions from 3 submitters: Benign (1); Likely benign (2). Last evaluated 2026-07-26.

Conditions:
Familial adenomatous polyposis 1 (FAP1). Also called: FAMILIAL ADENOMATOUS POLYPOSIS 1, ATTENUATED; POLYPOSIS, ADENOMATOUS INTESTINAL. Identifiers: MedGen C2713442, MONDO:0021056, OMIM 175100. Disease mechanism: loss of function.
Hereditary cancer-predisposing syndrome. Also called: Neoplastic Syndromes, Hereditary; Tumor predisposition; Hereditary Cancer Syndrome; Hereditary neoplastic syndrome. Identifiers: Orphanet 140162, MedGen C0027672, MeSH D009386, MONDO:0015356.

Submissions (3):

Ambry Genetics
Classification: Likely benign for Hereditary cancer-predisposing syndrome. Last evaluated: 2026-07-26. Review status: criteria provided, single submitter. Criteria: Ambry Variant Classification Scheme 2023. Collection method: clinical testing. Allele origin: germline.

Labcorp Genetics (formerly Invitae), Labcorp
Classification: Likely benign for Familial adenomatous polyposis 1. Last evaluated: 2025-12-05. Review status: criteria provided, single submitter. Criteria: Invitae Variant Classification Sherloc (09022015). Collection method: clinical testing. Allele origin: germline.

Myriad Genetics, Inc.
Classification: Benign for Familial adenomatous polyposis 1. Last evaluated: 2024-04-15. Review status: criteria provided, single submitter. Criteria: Myriad Autosomal Dominant, Autosomal Recessive and X-Linked Classification Criteria (2023). Collection method: clinical testing. Allele origin: unknown.
Comment: This variant is considered benign. This variant is a silent/synonymous amino acid change and it is not expected to impact splicing.

NM_000038.6(APC):c.8310C>T (p.His2770=)

Gene: APC (APC regulator of Wnt signaling pathway; plus strand). Cytogenetic location: 5q22.2.
Variant type: single nucleotide variant.
Coding change: c.8310C>T on transcript NM_000038.6 (MANE Select); coding-DNA position 8310, C replaced by T.
Protein change: p.His2770=; no amino-acid change (histidine 2770 retained).
Molecular consequence: synonymous variant. On other transcripts: non-coding transcript variant (2).
Genome position (GRCh38, 1-based): chr5:112,843,904, C>T. VCF-style: chr5-112843904-C-T. GRCh37 (hg19) VCF-style: chr5-112179601-C-T.
Other names: c.7923C>T, p.His2641= (NM_001407469.1, NM_001407467.1); c.7461C>T, p.His2487= (NM_001407470.1, NM_001354906.2); c.7158C>T, p.His2386= (NM_001407471.1, NM_001407472.1); c.8310C>T, p.His2770= (NM_001127510.3, NM_001354895.2, NM_001407450.1); c.8256C>T, p.His2752= (NM_001127511.3); c.8364C>T, p.His2788= (NM_001354896.2, NM_001407447.1, NM_001407448.1 and 1 more transcripts); c.8340C>T, p.His2780= (NM_001354897.2); c.8235C>T, p.His2745= (NM_001354898.2); and 12 more.
Identifiers: ClinVar variation 3254413 (VCV003254413.3), dbSNP rs200160084.